The following is an entry in ClinVar:

NM_001429.4(EP300):c.5719C>T (p.Pro1907Ser)

Gene: EP300 (EP300 lysine acetyltransferase; plus strand). Cytogenetic location: 22q13.2.
Variant type: single nucleotide variant.
Coding change: c.5719C>T on transcript NM_001429.4 (MANE Select); coding-DNA position 5719, C replaced by T.
Protein change: p.Pro1907Ser; replaces proline 1907 with serine.
Molecular consequence: missense variant.
Genome position (GRCh38, 1-based): chr22:41,177,430, C>T. VCF-style: chr22-41177430-C-T. GRCh37 (hg19) VCF-style: chr22-41573434-C-T.
Other names: c.5719C>T (NM_001429.3); c.5641C>T, p.Pro1881Ser (NM_001362843.2); short protein forms P1907S, P1881S.
Identifiers: ClinVar variation 2167264 (VCV002167264.6), dbSNP rs1034013330, ClinGen allele CA324558946.

ClinVar aggregate classification (germline): Uncertain significance. Review status: criteria provided, multiple submitters, no conflicts (2 of 4 stars). 3 submissions from 3 submitters: Uncertain significance (2). 1 of the submissions does not count toward it. Last evaluated 2023-07-21.

Conditions:
Rubinstein-Taybi syndrome due to EP300 haploinsufficiency. Also called: EP300-Related Rubinstein-Taybi Syndrome; RUBINSTEIN-TAYBI SYNDROME 2. Identifiers: Orphanet 353284, Orphanet 783, MedGen C3150941, MONDO:0013364, OMIM 613684.
Inborn genetic diseases. Identifiers: MedGen C0950123, MeSH D030342.
EP300-related disorder. Also called: EP300-related condition; EP300-related disorders.

Allele frequency attached by ClinVar (database versions not stated): gnomAD exomes below 0.00001; TOPMed below 0.00001; gnomAD 0.00001.
gnomAD v4.1: 6 of 1,614,072 alleles (0.00037%); highest among the groups gnomAD compares: Admixed American, 0.0017%; no homozygotes.

Submissions (3):

Labcorp Genetics (formerly Invitae), Labcorp
Classification: Uncertain significance for Rubinstein-Taybi syndrome due to EP300 haploinsufficiency. Last evaluated: 2023-07-21. Review status: criteria provided, single submitter. Criteria: Invitae Variant Classification Sherloc (09022015). Collection method: clinical testing. Allele origin: germline.
Comment: In summary, the available evidence is currently insufficient to determine the role of this variant in disease. Therefore, it has been classified as a Variant of Uncertain Significance. Advanced modeling of protein sequence and biophysical properties (such as structural, functional, and spatial information, amino acid conservation, physicochemical variation, residue mobility, and thermodynamic stability) performed at Invitae indicates that this missense variant is not expected to disrupt EP300 protein function. ClinVar contains an entry for this variant (Variation ID: 2167264). This variant has not been reported in the literature in individuals affected with EP300-related conditions. This variant is not present in population databases (gnomAD no frequency). This sequence change replaces proline, which is neutral and non-polar, with serine, which is neutral and polar, at codon 1907 of the EP300 protein (p.Pro1907Ser).

Ambry Genetics
Classification: Uncertain significance for Inborn genetic diseases. Last evaluated: 2022-12-21. Review status: criteria provided, single submitter. Criteria: Ambry Variant Classification Scheme 2023. Collection method: clinical testing. Allele origin: germline.

PreventionGenetics, part of Exact Sciences
Classification: Uncertain significance for EP300-related condition. Last evaluated: 2023-11-30. Review status: no assertion criteria provided. Collection method: clinical testing. Allele origin: germline. Not counted in ClinVar's aggregate classification.
Comment: The EP300 c.5719C>T variant is predicted to result in the amino acid substitution p.Pro1907Ser. To our knowledge, this variant has not been reported in the literature or in a large population database, indicating this variant is rare. At this time, the clinical significance of this variant is uncertain due to the absence of conclusive functional and genetic evidence.